The following is an entry in ClinVar:

ClinVar aggregate classification (germline): Pathogenic (0 of 4 stars; one submission).

Conditions:
DNAAF11-related disorder. Also called: DNAAF11-related condition.

gnomAD v4.1: 6 of 1,598,352 alleles (0.00038%); highest among the groups gnomAD compares: Non-Finnish European, 0.00043%; no homozygotes.

Submission:

PreventionGenetics, part of Exact Sciences
Classification: Pathogenic for DNAAF11-related condition. Last evaluated: 2024-08-28. Review status: no assertion criteria provided. Collection method: clinical testing. Allele origin: germline.
Comment: The DNAAF11 c.653+1G>A variant is predicted to disrupt the GT donor site and interfere with normal splicing. This variant has been reported in the homozygous state in an individual with primary ciliary dyskinesia (Table S2, Zariwala et al. 2013. PubMed ID: 23891469). This variant has not been reported in a large population database, indicating this variant is rare. Variants that disrupt the consensus splice donor site in DNAAF11 are expected to be pathogenic. This variant is interpreted as pathogenic.

NM_012472.6(DNAAF11):c.653+1G>A

Gene: DNAAF11 (dynein axonemal assembly factor 11; minus strand). Cytogenetic location: 8q24.22.
Variant type: single nucleotide variant.
Coding change: c.653+1G>A on transcript NM_012472.6 (MANE Select); the canonical splice donor site of the intron after coding-DNA position 653, G replaced by A.
Molecular consequence: splice donor variant.
Genome position (GRCh38, 1-based): chr8:132,632,739, C>T on the plus strand (G>A on the coding strand, the complement: DNAAF11 is on the minus strand). VCF-style: chr8-132632739-C-T. GRCh37 (hg19) VCF-style: chr8-133644985-C-T.
Other names: c.407+1G>A (NM_001321962.2); c.653+1G>A (NM_001321961.2); c.293+1G>A (NM_001321966.2, NM_001321963.2, NM_001321964.2 and 1 more transcripts).
Identifiers: ClinVar variation 3346952 (VCV003346952.1).